The following is an entry in ClinVar:

ClinVar aggregate classification (germline): Uncertain significance. Review status: criteria provided, multiple submitters, no conflicts (2 of 4 stars). 2 submissions from 2 submitters: Uncertain significance (2). Last evaluated 2023-07-17.

Conditions:
Okur-Chung neurodevelopmental syndrome (OCNDS). Identifiers: Orphanet 689422, MedGen C4310739, MONDO:0014893, OMIM 617062.

Submissions (2):

Victorian Clinical Genetics Services, Murdoch Childrens Research Institute
Classification: Uncertain significance for Okur-Chung neurodevelopmental syndrome. Last evaluated: 2023-07-17. Review status: criteria provided, single submitter. Criteria: ACMG Guidelines, 2015. Collection method: clinical testing. Allele origin: germline. Inheritance: Autosomal dominant inheritance. Affected: yes.
Comment: Based on the classification scheme VCGS_Germline_v1.3.4, this variant is classified as VUS-3A. Following criteria are met: 0102 - Loss of function is a known mechanism of disease in this gene and is associated with Okur-Chung neurodevelopmental syndrome (MIM#617062). (I) 0107 - This gene is associated with autosomal dominant disease. (I) 0200 - Variant is predicted to result in a missense amino acid change from arginine to glutamine. (I) 0251 - This variant is heterozygous. (I) 0301 - Variant is absent from gnomAD (both v2 and v3). (SP) 0502 - Missense variant with conflicting in silico predictions and high conservation. (I) 0602 - Variant is located in a hotspot region or cluster of pathogenic variants. This variant is located within one of the two main clusters of reported pathogenic/likely pathogenic missense variants (ClinVar, DECIPHER). (SP) 0704 - Another missense variant comparable to the one identified in this case has limited previous evidence for pathogenicity. p.(Arg195Pro) has been reported as likely pathogenic and de novo in an affected individual (ClinVar). (SP) 0807 - This variant has no previous evidence of pathogenicity. (I) 0905 - No published segregation evidence has been identified for this variant. (I) 1007 - No published functional evidence has been identified for this variant. (I) 1208 - Inheritance information for this variant is not currently available in this individual. (I) Legend: (SP) - Supporting pathogenic, (I) - Information, (SB) - Supporting benign

Revvity Omics, Revvity
Classification: Uncertain significance for Okur-Chung neurodevelopmental syndrome. Last evaluated: 2021-11-18. Review status: criteria provided, single submitter. Criteria: ACMG Guidelines, 2015. Collection method: clinical testing. Allele origin: germline.

NM_177559.3(CSNK2A1):c.584G>A (p.Arg195Gln)

Gene: CSNK2A1 (casein kinase 2 alpha 1; minus strand). Cytogenetic location: 20p13.
Variant type: single nucleotide variant.
Coding change: c.584G>A on transcript NM_177559.3 (MANE Select); coding-DNA position 584, G replaced by A.
Protein change: p.Arg195Gln; replaces arginine 195 with glutamine.
Molecular consequence: missense variant.
Genome position (GRCh38, 1-based): chr20:492,291, C>T on the plus strand (G>A on the coding strand, the complement: CSNK2A1 is on the minus strand). VCF-style: chr20-492291-C-T. GRCh37 (hg19) VCF-style: chr20-472935-C-T.
Other names: c.584G>A (NM_177559.2); c.584G>A, p.Arg195Gln (NM_001362770.2, NM_001362771.2, NM_001895.4); c.176G>A, p.Arg59Gln (NM_177560.3); short protein forms R195Q, R59Q.
Identifiers: ClinVar variation 2440584 (VCV002440584.4), dbSNP rs2122521678, ClinGen allele CA407930970.